The following is an entry in ClinVar:

NM_181426.2(CCDC39):c.470C>T (p.Ala157Val)

Gene: CCDC39 (coiled-coil domain 39 molecular ruler complex subunit; minus strand). Cytogenetic location: 3q26.33.
Variant type: single nucleotide variant.
Coding change: c.470C>T on transcript NM_181426.2 (MANE Select); coding-DNA position 470, C replaced by T.
Protein change: p.Ala157Val; replaces alanine 157 with valine.
Molecular consequence: missense variant.
Genome position (GRCh38, 1-based): chr3:180,660,616, G>A on the plus strand (C>T on the coding strand, the complement: CCDC39 is on the minus strand). VCF-style: chr3-180660616-G-A. GRCh37 (hg19) VCF-style: chr3-180378404-G-A.
Other names: p.Ala157Val; short protein forms A157V.
Identifiers: ClinVar variation 525249 (VCV000525249.7), dbSNP rs770405043, ClinGen allele CA2716171.

ClinVar aggregate classification (germline): Uncertain significance. Review status: criteria provided, multiple submitters, no conflicts (2 of 4 stars). 2 submissions from 2 submitters: Uncertain significance (2). Last evaluated 2025-10-17.

Conditions:
Primary ciliary dyskinesia. Also called: Ciliary dyskinesia. Identifiers: Orphanet 244, MedGen C0008780, MONDO:0016575, HP:0012265.

Allele frequency attached by ClinVar (database versions not stated): gnomAD 0.00001 and 0.00002; gnomAD exomes 0.00002; ExAC 0.00003; TOPMed 0.00004.
gnomAD v4.1: 26 of 1,601,222 alleles (0.0016%); highest among the groups gnomAD compares: Non-Finnish European, 0.002%; no homozygotes.

Submissions (2):

Mayo Clinic Laboratories, Mayo Clinic
Classification: Uncertain significance. Last evaluated: 2025-10-17. Review status: criteria provided, single submitter. Criteria: ACMG Guidelines, 2015. Collection method: clinical testing. Allele origin: germline. Observed: 1 variant allele.
Comment: BP4_moderate

Labcorp Genetics (formerly Invitae), Labcorp
Classification: Uncertain significance for Primary ciliary dyskinesia. Last evaluated: 2024-12-13. Review status: criteria provided, single submitter. Criteria: Invitae Variant Classification Sherloc (09022015). Collection method: clinical testing. Allele origin: germline.
Comment: This sequence change replaces alanine, which is neutral and non-polar, with valine, which is neutral and non-polar, at codon 157 of the CCDC39 protein (p.Ala157Val). The frequency data for this variant in the population databases is considered unreliable, as metrics indicate poor data quality at this position in the gnomAD database. This variant has not been reported in the literature in individuals affected with CCDC39-related conditions. ClinVar contains an entry for this variant (Variation ID: 525249). An algorithm developed to predict the effect of missense changes on protein structure and function (PolyPhen-2) suggests that this variant¬†is likely to be tolerated. In summary, the available evidence is currently insufficient to determine the role of this variant in disease. Therefore, it has been classified as a Variant of Uncertain Significance.